The following is an entry in ClinVar:

ClinVar aggregate classification (germline): Uncertain significance. Review status: criteria provided, single submitter (1 of 4 stars). 2 submissions from 2 submitters: Uncertain significance (1). 1 of the submissions does not count toward it. Last evaluated 2026-01-25.

Conditions:
Palmoplantar keratoderma, punctate type 1A (PPKP1A). Also called: PALMOPLANTAR KERATODERMA, PUNCTATE TYPE IA. Identifiers: Orphanet 79501, MedGen CN031225, MONDO:0007858, OMIM 148600.

Allele frequency attached by ClinVar (database versions not stated): TOPMed 0.00001; gnomAD exomes 0.00002 and 0.00006; ExAC 0.00001; gnomAD 0.00001.
gnomAD v4.1: 89 of 1,613,342 alleles (0.0055%); highest among the groups gnomAD compares: Non-Finnish European, 0.0072%; no homozygotes.

Submissions (3):

Labcorp Genetics (formerly Invitae), Labcorp
Classification: Uncertain significance. Last evaluated: 2026-01-25. Review status: criteria provided, single submitter. Criteria: Invitae Variant Classification Sherloc (09022015). Collection method: clinical testing. Allele origin: germline.
Comment: This sequence change affects a donor splice site in intron 9 of the AAGAB gene. While this variant is not anticipated to result in nonsense mediated decay, it likely alters RNA splicing and results in a disrupted protein product. This variant is present in population databases (rs753247583, gnomAD 0.004%). Disruption of this splice site has been observed in individuals with punctate palmoplantar keratoderma type I (PMID: 23064416). ClinVar contains an entry for this variant (Variation ID: 39737). Variants that disrupt the consensus splice site are a relatively common cause of aberrant splicing (PMID: 17576681, 9536098). Algorithms developed to predict the effect of sequence changes on RNA splicing suggest that this variant may disrupt the consensus splice site. In summary, the available evidence is currently insufficient to determine the role of this variant in disease. Therefore, it has been classified as a Variant of Uncertain Significance.

OMIM
Classification: Pathogenic for PALMOPLANTAR KERATODERMA, PUNCTATE TYPE IA. Last evaluated: 2012-11-01. Review status: no assertion criteria provided. Collection method: literature only. Allele origin: germline. Not counted in ClinVar's aggregate classification.

Dr. Peter K. Rogan Lab, Western University
No classification provided (evidence only). Condition: Thyroid cancer, nonmedullary, 1. Review status: no classification provided. Collection method: in vitro. Allele origin: not applicable. Functional consequence: skipped exon, retained intron. Not counted in ClinVar's aggregate classification.

Literature cited by the submitters: PubMed 23064416 (cited by Labcorp Genetics (formerly Invitae), Labcorp and OMIM); PubMed 17576681 (cited by Labcorp Genetics (formerly Invitae), Labcorp); PubMed 9536098 (cited by Labcorp Genetics (formerly Invitae), Labcorp).

NM_024666.5(AAGAB):c.870+1G>A

Gene: AAGAB (alpha and gamma adaptin binding protein; minus strand). Cytogenetic location: 15q23.
Variant type: single nucleotide variant.
Coding change: c.870+1G>A on transcript NM_024666.5 (MANE Select); the canonical splice donor site of the intron after coding-DNA position 870, G replaced by A.
Molecular consequence: splice donor variant.
Genome position (GRCh38, 1-based): chr15:67,203,547, C>T on the plus strand (G>A on the coding strand, the complement: AAGAB is on the minus strand). VCF-style: chr15-67203547-C-T. GRCh37 (hg19) VCF-style: chr15-67495885-C-T.
Other names: IVS, G-A, +1; c.543+1G>A (NM_001271885.2, NM_001271886.2).
Identifiers: ClinVar variation 39737 (VCV000039737.10), dbSNP rs753247583, ClinGen allele CA7626948.
Genomic context (GRCh38, chr15:67,203,547, plus strand): 5'-TTATAATAATAGCACTGGACCTTTTATAGGTATTCAATAAATACCTGGCTGATTGTCTCA[C>T]CTTTTCTGCATGCACTTTTCTTTGCTCATGAGGAAGCGTCGCAGCCTTGTCTAGGGGGAA-3'